The following is an entry in ClinVar:

ClinVar aggregate classification (germline): Likely benign. Review status: criteria provided, multiple submitters, no conflicts (2 of 4 stars). 2 submissions from 2 submitters: Likely benign (2). Last evaluated 2026-04-01.

Allele frequency attached by ClinVar (database versions not stated): gnomAD 0.00001 and 0.00003; TOPMed 0.00004; gnomAD exomes 0.00006 and 0.00008; ExAC 0.00007; ESP Exome Variant Server 0.00008.
gnomAD v4.1: 118 of 1,614,114 alleles (0.0073%); highest among the groups gnomAD compares: South Asian, 0.043%; 1 homozygote.

Submissions (2):

CeGaT Center for Human Genetics Tuebingen
Classification: Likely benign. Last evaluated: 2026-04-01. Review status: criteria provided, single submitter. Criteria: CeGaT Center For Human Genetics Tuebingen Variant Classification Criteria Version 2. Collection method: clinical testing. Allele origin: germline. Affected: yes. Observed: 1 variant allele.
Comment: ARHGAP31: BP4, BP7

Labcorp Genetics (formerly Invitae), Labcorp
Classification: Likely benign. Last evaluated: 2025-08-19. Review status: criteria provided, single submitter. Criteria: Invitae Variant Classification Sherloc (09022015). Collection method: clinical testing. Allele origin: germline.

NM_020754.4(ARHGAP31):c.2538G>A (p.Lys846=)

Gene: ARHGAP31 (Rho GTPase activating protein 31; plus strand). Cytogenetic location: 3q13.33.
Variant type: single nucleotide variant.
Coding change: c.2538G>A on transcript NM_020754.4 (MANE Select); coding-DNA position 2538, G replaced by A.
Protein change: p.Lys846=; no amino-acid change (lysine 846 retained).
Molecular consequence: synonymous variant.
Genome position (GRCh38, 1-based): chr3:119,414,467, G>A. VCF-style: chr3-119414467-G-A. GRCh37 (hg19) VCF-style: chr3-119133314-G-A.
Identifiers: ClinVar variation 1530845 (VCV001530845.21), dbSNP rs199821560, ClinGen allele CA2554059.